The following is an entry in ClinVar:

NM_015959.4(TMX2):c.750del (p.Asn250fs)

Genes: TMX2 (thioredoxin related transmembrane protein 2; plus strand), TMX2-CTNND1 (TMX2-CTNND1 readthrough (NMD candidate); plus strand). Cytogenetic location: 11q12.1.
Variant type: Deletion.
Coding change: c.750del on transcript NM_015959.4 (MANE Select); coding-DNA position 750, one base deleted (T; older notation c.750delT).
Protein change: p.Asn250fs; shifts the reading frame from asparagine 250.
Molecular consequence: frameshift variant. On other transcripts: 3 prime UTR variant (1), non-coding transcript variant (4).
Genome position (GRCh38, 1-based): chr11:57,740,104, T deleted. VCF-style (leftmost placement, unchanged base first): chr11-57740103-AT-A. GRCh37 (hg19) VCF-style: chr11-57507575-AT-A.
Other names: c.636del, p.Asn212fs (NM_001144012.3); c.771del, p.Asn257fs (NM_001347890.2); c.666del, p.Asn222fs (NM_001347891.2); c.543del, p.Asn181fs (NM_001347892.2); c.489del, p.Asn163fs (NM_001347893.2); c.468del, p.Asn156fs (NM_001347894.2, NM_001347895.2, NM_001347896.2); c.*43del (NM_001347898.2); c.750delT (NM_015959.4); short protein forms N156fs, N163fs, N181fs, N212fs, N222fs, N250fs, N257fs.
Identifiers: ClinVar variation 3233819 (VCV003233819.2), dbSNP rs2495454357, ClinGen allele CA2825002018.

ClinVar aggregate classification (germline): Uncertain significance (1 of 4 stars; one submission).

Submission:

Women's Health and Genetics/Laboratory Corporation of America, LabCorp
Classification: Uncertain significance. Last evaluated: 2024-03-21. Review status: criteria provided, single submitter. Criteria: LabCorp Variant Classification Summary - May 2015. Collection method: clinical testing. Allele origin: germline.
Comment: Variant summary: TMX2 c.750delT (p.Asn250LysfsX2) results in a premature termination codon, predicted to cause a truncation of the encoded protein, however current evidence is not sufficient to establish loss-of-function variants in TMX2 as causative of disease. The variant was absent in 251000 control chromosomes. The available data on variant occurrences in the general population are insufficient to allow any conclusion about variant significance. To our knowledge, no occurrence of c.750delT in individuals affected with Neurodevelopmental Disorder With Microcephaly, Cortical Malformations, And Spasticity and no experimental evidence demonstrating its impact on protein function have been reported. No submitters have cited clinical-significance assessments for this variant to ClinVar. Based on the evidence outlined above, the variant was classified as uncertain significance.